The following is an entry in ClinVar:

NM_001291415.2(KDM6A):c.110C>T (p.Ala37Val)

Gene: KDM6A (lysine demethylase 6A; plus strand). Cytogenetic location: Xp11.3.
Variant type: single nucleotide variant.
Coding change: c.110C>T on transcript NM_001291415.2 (MANE Select); coding-DNA position 110, C replaced by T.
Protein change: p.Ala37Val; replaces alanine 37 with valine.
Molecular consequence: missense variant. On other transcripts: 5 prime UTR variant (1), non-coding transcript variant (1).
Genome position (GRCh38, 1-based): chrX:44,873,661, C>T. VCF-style: chrX-44873661-C-T. GRCh37 (hg19) VCF-style: chrX-44732907-C-T.
Other names: c.110C>T, p.Ala37Val (NM_001291416.2, NM_001291417.2, NM_001291418.2 and 9 more transcripts); c.-523C>T (NM_001291421.2); short protein forms A37V.
Identifiers: ClinVar variation 4091371 (VCV004091371.3).

ClinVar aggregate classification (germline): Uncertain significance. Review status: criteria provided, multiple submitters, no conflicts (2 of 4 stars). 3 submissions from 3 submitters: Uncertain significance (3). Last evaluated 2025-11-01.

Conditions:
Kabuki syndrome 2 (KABUK2). Also called: KDM6A-Related Kabuki Syndrome. Identifiers: Orphanet 2322, MedGen C3275495, MONDO:0010465, OMIM 300867.
Inborn genetic diseases. Identifiers: MedGen C0950123, MeSH D030342.

Submissions (3):

Labcorp Genetics (formerly Invitae), Labcorp
Classification: Uncertain significance for Kabuki syndrome 2. Last evaluated: 2025-11-01. Review status: criteria provided, single submitter. Criteria: Invitae Variant Classification Sherloc (09022015). Collection method: clinical testing. Allele origin: germline.
Comment: This sequence change replaces alanine, which is neutral and non-polar, with valine, which is neutral and non-polar, at codon 37 of the KDM6A protein (p.Ala37Val). This variant is not present in population databases (gnomAD no frequency). This variant has not been reported in the literature in individuals affected with KDM6A-related conditions. ClinVar contains an entry for this variant (Variation ID: 4091371). Invitae Evidence Modeling of protein sequence and biophysical properties (such as structural, functional, and spatial information, amino acid conservation, physicochemical variation, residue mobility, and thermodynamic stability) indicates that this missense variant is not expected to disrupt KDM6A protein function with a negative predictive value of 95%. In summary, the available evidence is currently insufficient to determine the role of this variant in disease. Therefore, it has been classified as a Variant of Uncertain Significance.

Ambry Genetics
Classification: Uncertain significance for Inborn genetic diseases. Last evaluated: 2025-07-02. Review status: criteria provided, single submitter. Criteria: Ambry Variant Classification Scheme 2023. Collection method: clinical testing. Allele origin: germline.

Blueprint Genetics
Classification: Uncertain significance. Last evaluated: 2022-09-28. Review status: criteria provided, single submitter. Criteria: ACMG Guidelines, 2015. Collection method: clinical testing. Allele origin: germline.